The following is an entry in ClinVar:

ClinVar aggregate classification (germline): Uncertain significance (1 of 4 stars; one submission).

Conditions:
Cardiovascular phenotype. Identifiers: MedGen CN230736.

Allele frequency attached by ClinVar (database versions not stated): TOPMed below 0.00001.

Submission:

Ambry Genetics
Classification: Uncertain significance for Cardiovascular phenotype. Last evaluated: 2021-11-28. Review status: criteria provided, single submitter. Criteria: Ambry Variant Classification Scheme 2023. Collection method: clinical testing. Allele origin: germline.
Comment: The p.S754F variant (also known as c.2261C>T), located in coding exon 14 of the DSG2 gene, results from a C to T substitution at nucleotide position 2261. The serine at codon 754 is replaced by phenylalanine, an amino acid with highly dissimilar properties. This amino acid position is conserved. In addition, this alteration is predicted to be tolerated by in silico analysis. Since supporting evidence is limited at this time, the clinical significance of this alteration remains unclear.

NM_001943.5(DSG2):c.2261C>T (p.Ser754Phe)

Genes: DSG2 (desmoglein 2; plus strand), DSG2-AS1 (DSG2 antisense RNA 1; minus strand). Cytogenetic location: 18q12.1.
Variant type: single nucleotide variant.
Coding change: c.2261C>T on transcript NM_001943.5 (MANE Select); coding-DNA position 2261, C replaced by T.
Protein change: p.Ser754Phe; replaces serine 754 with phenylalanine.
Molecular consequence: missense variant.
Genome position (GRCh38, 1-based): chr18:31,542,779, C>T. VCF-style: chr18-31542779-C-T. GRCh37 (hg19) VCF-style: chr18-29122742-C-T.
Other names: short protein forms S754F.
Identifiers: ClinVar variation 1788642 (VCV001788642.2), dbSNP rs2073277576, ClinGen allele CA402142844.
Genomic context (GRCh38, chr18:31,542,779, plus strand): 5'-GGGCCACAGGCGCTATCATGACCACTGAAACCACGAAGACCGCAAGGGCCACAGGGGCTT[C>T]CAGAGACATGGCCGGAGCTCAGGCAGCTGCTGTTGCACTGAACGAAGAATTCTTAAGAAA-3'
Protein context (NP_001934.2, residues 744-764): TTKTARATGA[Ser754Phe]RDMAGAQAAA